The following is an entry in ClinVar:

NM_001375524.1(TRRAP):c.3286A>G (p.Ile1096Val)

Gene: TRRAP (transformation/transcription domain associated protein; plus strand). Cytogenetic location: 7q22.1.
Variant type: single nucleotide variant.
Coding change: c.3286A>G on transcript NM_001375524.1 (MANE Select); coding-DNA position 3286, A replaced by G.
Protein change: p.Ile1096Val; replaces isoleucine 1096 with valine.
Molecular consequence: missense variant.
Genome position (GRCh38, 1-based): chr7:98,930,099, A>G. VCF-style: chr7-98930099-A-G. GRCh37 (hg19) VCF-style: chr7-98527722-A-G.
Other names: c.3286A>G, p.Ile1096Val (NM_001244580.2, NM_003496.4); short protein forms I1096V.
Identifiers: ClinVar variation 4192017 (VCV004192017.2).
Genomic context (GRCh38, chr7:98,930,099, plus strand): 5'-ATGTTTCACAGTGAAGAAAATGGCTCGAAAGGAATGGATCCTTTGGTTCTCATTGATGCA[A>G]TTGCTATTTGTATGGCATATGAAGAAAAGGAGCTTTGCAAAATCGGGGAGGTGGCCCTAG-3'
Protein context (NP_001362453.1, residues 1086-1106): GMDPLVLIDA[Ile1096Val]AICMAYEEKE

ClinVar aggregate classification (germline): Uncertain significance. Review status: criteria provided, multiple submitters, no conflicts (2 of 4 stars). 2 submissions from 2 submitters: Uncertain significance (2). Last evaluated 2025-08-28.

Conditions:
Inborn genetic diseases. Identifiers: MedGen C0950123, MeSH D030342.
Developmental delay with or without dysmorphic facies and autism. Identifiers: MedGen C5193106, MONDO:0032760, OMIM 618454.

Submissions (2):

Ambry Genetics
Classification: Uncertain significance for Inborn genetic diseases. Last evaluated: 2025-08-28. Review status: criteria provided, single submitter. Criteria: Ambry Variant Classification Scheme 2023. Collection method: clinical testing. Allele origin: germline.

3billion
Classification: Uncertain significance for Developmental delay with or without dysmorphic facies and autism. Last evaluated: 2024-07-12. Review status: criteria provided, single submitter. Criteria: ACMG Guidelines, 2015. Collection method: clinical testing. Allele origin: germline. Affected: yes.
Comment: The variant is not observed in the gnomAD v4.0.0 dataset. Predicted Consequence/Location: Missense changes are a common disease-causing mechanism. Damaging effect on gene or gene product predicted by in silico programs is uncertain [REVEL: 0.20 (damaging >=0.6, benign <0.4), 3Cnet: 0.55 (damaging >=0.6, benign <0.15)]. Therefore, this variant is classified as VUS according to the recommendation of ACMG/AMP guideline.